The following is an entry in ClinVar:

ClinVar aggregate classification (germline): Uncertain significance. Review status: criteria provided, multiple submitters, no conflicts (2 of 4 stars). 2 submissions from 2 submitters: Uncertain significance (2). Last evaluated 2024-05-24.

gnomAD v4.1: 6 of 1,495,292 alleles (0.0004%); highest among the groups gnomAD compares: East Asian, 0.014%; no homozygotes.

Submissions (2):

Ambry Genetics
Classification: Uncertain significance. Last evaluated: 2024-05-24. Review status: criteria provided, single submitter. Criteria: Ambry Variant Classification Scheme 2023. Collection method: clinical testing. Allele origin: germline.

Labcorp Genetics (formerly Invitae), Labcorp
Classification: Uncertain significance. Last evaluated: 2024-04-06. Review status: criteria provided, single submitter. Criteria: Invitae Variant Classification Sherloc (09022015). Collection method: clinical testing. Allele origin: germline.
Comment: This sequence change replaces arginine, which is basic and polar, with histidine, which is basic and polar, at codon 71 of the SORL1 protein (p.Arg71His). The frequency data for this variant in the population databases is considered unreliable, as metrics indicate poor data quality at this position in the gnomAD database. This variant has not been reported in the literature in individuals affected with SORL1-related conditions. An algorithm developed to predict the effect of missense changes on protein structure and function (PolyPhen-2) suggests that this variant is likely to be tolerated. In summary, the available evidence is currently insufficient to determine the role of this variant in disease. Therefore, it has been classified as a Variant of Uncertain Significance.

NM_003105.6(SORL1):c.212G>A (p.Arg71His)

Genes: SORL1 (sortilin related receptor 1; plus strand), SORL1-AS1 (SORL1 antisense RNA 1; minus strand). Cytogenetic location: 11q24.1.
Variant type: single nucleotide variant.
Coding change: c.212G>A on transcript NM_003105.6 (MANE Select); coding-DNA position 212, G replaced by A.
Protein change: p.Arg71His; replaces arginine 71 with histidine.
Molecular consequence: missense variant.
Genome position (GRCh38, 1-based): chr11:121,452,543, G>A. VCF-style: chr11-121452543-G-A. GRCh37 (hg19) VCF-style: chr11-121323252-G-A.
Other names: short protein forms R71H.
Identifiers: ClinVar variation 3321523 (VCV003321523.3).